The following is an entry in ClinVar:

ClinVar aggregate classification (germline): Uncertain significance (1 of 4 stars; one submission).

Allele frequency attached by ClinVar (database versions not stated): TOPMed below 0.00001.
gnomAD v4.1: 5 of 1,613,994 alleles (0.00031%); highest among the groups gnomAD compares: Non-Finnish European, 0.00042%; no homozygotes.

Submission:

Labcorp Genetics (formerly Invitae), Labcorp
Classification: Uncertain significance. Last evaluated: 2021-11-28. Review status: criteria provided, single submitter. Criteria: Invitae Variant Classification Sherloc (09022015). Collection method: clinical testing. Allele origin: germline.
Comment: In summary, the available evidence is currently insufficient to determine the role of this variant in disease. Therefore, it has been classified as a Variant of Uncertain Significance. Algorithms developed to predict the effect of missense changes on protein structure and function (SIFT, PolyPhen-2, Align-GVGD) all suggest that this variant is likely to be tolerated. This variant has not been reported in the literature in individuals affected with TOE1-related conditions. This variant is not present in population databases (gnomAD no frequency). This sequence change replaces asparagine, which is neutral and polar, with lysine, which is basic and polar, at codon 78 of the TOE1 protein (p.Asn78Lys).

NM_025077.4(TOE1):c.234C>A (p.Asn78Lys)

Gene: TOE1 (target of EGR1, exonuclease; plus strand). Cytogenetic location: 1p34.1.
Variant type: single nucleotide variant.
Coding change: c.234C>A on transcript NM_025077.4 (MANE Select); coding-DNA position 234, C replaced by A.
Protein change: p.Asn78Lys; replaces asparagine 78 with lysine.
Molecular consequence: missense variant.
Genome position (GRCh38, 1-based): chr1:45,341,341, C>A. VCF-style: chr1-45341341-C-A. GRCh37 (hg19) VCF-style: chr1-45807013-C-A.
Other names: short protein forms N78K.
Identifiers: ClinVar variation 2082330 (VCV002082330.4), dbSNP rs1342575613, ClinGen allele CA340138723.